The following is an entry in ClinVar:

NM_001370100.5(ZMYND11):c.799G>T (p.Ala267Ser)

Gene: ZMYND11 (zinc finger MYND-type containing 11; plus strand). Cytogenetic location: 10p15.3.
Variant type: single nucleotide variant.
Coding change: c.799G>T on transcript NM_001370100.5 (MANE Select); coding-DNA position 799, G replaced by T.
Protein change: p.Ala267Ser; replaces alanine 267 with serine.
Molecular consequence: missense variant. On other transcripts: non-coding transcript variant (1), intron variant (1).
Genome position (GRCh38, 1-based): chr10:240,938, G>T. VCF-style: chr10-240938-G-T. GRCh37 (hg19) VCF-style: chr10-286878-G-T.
Other names: c.637G>T, p.Ala213Ser (NM_001202464.3, NM_001202467.1, NM_001370103.2 and 6 more transcripts); c.544G>T, p.Ala182Ser (NM_001202465.3, NM_001370110.2); c.634G>T, p.Ala212Ser (NM_001202466.3, NM_001370111.2); c.799G>T, p.Ala267Ser (NM_001202468.1, NM_001370097.3, NM_001370098.2 and 5 more transcripts); c.748G>T, p.Ala250Ser (NM_001330057.3, NM_001370112.2); c.706G>T, p.Ala236Ser (NM_001370113.2, NM_001370114.2); c.796G>T, p.Ala266Ser (NM_001370115.2, NM_212479.4); c.733G>T, p.Ala245Ser (NM_001370116.2); and 7 more; short protein forms A110S, A148S, A165S, A173S, A182S, A191S, A212S, A213S.
Identifiers: ClinVar variation 3368351 (VCV003368351.1).

ClinVar aggregate classification (germline): Uncertain significance (1 of 4 stars; one submission).

Submission:

GeneDx
Classification: Uncertain significance. Last evaluated: 2024-01-24. Review status: criteria provided, single submitter. Criteria: GeneDx Variant Classification Process June 2021. Collection method: clinical testing. Allele origin: germline. Affected: yes.
Comment: Not observed at significant frequency in large population cohorts (gnomAD); In silico analysis supports that this missense variant does not alter protein structure/function; Has not been previously published as pathogenic or benign to our knowledge